The following is an entry in ClinVar:

NM_138694.4(PKHD1):c.3806T>C (p.Val1269Ala)

Gene: PKHD1 (PKHD1 ciliary IPT domain containing fibrocystin/polyductin; minus strand). Cytogenetic location: 6p12.2.
Variant type: single nucleotide variant.
Coding change: c.3806T>C on transcript NM_138694.4 (MANE Select); coding-DNA position 3806, T replaced by C.
Protein change: p.Val1269Ala; replaces valine 1269 with alanine.
Molecular consequence: missense variant.
Genome position (GRCh38, 1-based): chr6:52,026,004, A>G on the plus strand (T>C on the coding strand, the complement: PKHD1 is on the minus strand). VCF-style: chr6-52026004-A-G. GRCh37 (hg19) VCF-style: chr6-51890802-A-G.
Other names: c.3806T>C, p.Val1269Ala (NM_170724.3); short protein forms V1269A.
Identifiers: ClinVar variation 959380 (VCV000959380.14), dbSNP rs1398646157, ClinGen allele CA364437633.

ClinVar aggregate classification (germline): Uncertain significance. Review status: criteria provided, multiple submitters, no conflicts (2 of 4 stars). 3 submissions from 3 submitters: Uncertain significance (2). 1 of the submissions does not count toward it. Last evaluated 2023-06-16.

Conditions:
Inborn genetic diseases. Identifiers: MedGen C0950123, MeSH D030342.
Autosomal recessive polycystic kidney disease (ARPKD). Also called: AR polycystic kidney disease. Identifiers: Orphanet 731, Orphanet 8378, MedGen C0085548, MeSH D017044, MONDO:0009889.

Allele frequency attached by ClinVar (database versions not stated): gnomAD exomes below 0.00001; TOPMed 0.00001; gnomAD 0.00003 and 0.00004.
gnomAD v4.1: 5 of 1,614,012 alleles (0.00031%); highest among the groups gnomAD compares: African/African-American, 0.0067%; no homozygotes.

Submissions (3):

Ambry Genetics
Classification: Uncertain significance for Inborn genetic diseases. Last evaluated: 2023-06-16. Review status: criteria provided, single submitter. Criteria: Ambry Variant Classification Scheme 2023. Collection method: clinical testing. Allele origin: germline.

Labcorp Genetics (formerly Invitae), Labcorp
Classification: Uncertain significance for Autosomal recessive polycystic kidney disease. Last evaluated: 2021-08-24. Review status: criteria provided, single submitter. Criteria: Invitae Variant Classification Sherloc (09022015). Collection method: clinical testing. Allele origin: germline.
Comment: This sequence change replaces valine with alanine at codon 1269 of the PKHD1 protein (p.Val1269Ala). The valine residue is moderately conserved and there is a small physicochemical difference between valine and alanine. This variant is not present in population databases (ExAC no frequency). This variant has not been reported in the literature in individuals affected with PKHD1-related conditions. Algorithms developed to predict the effect of missense changes on protein structure and function are either unavailable or do not agree on the potential impact of this missense change (SIFT: "Deleterious"; PolyPhen-2: "Probably Damaging"; Align-GVGD: "Class C0"). In summary, the available evidence is currently insufficient to determine the role of this variant in disease. Therefore, it has been classified as a Variant of Uncertain Significance.

Natera, Inc.
Classification: Uncertain significance for Autosomal recessive polycystic kidney disease. Last evaluated: 2018-06-13. Review status: no assertion criteria provided. Collection method: clinical testing. Allele origin: germline. Not counted in ClinVar's aggregate classification.